The following is an entry in ClinVar:

ClinVar aggregate classification (germline): Uncertain significance (1 of 4 stars; one submission).

Conditions:
Nephrotic syndrome, type 12 (NPHS12). Identifiers: Orphanet 656, MedGen C4225166, MONDO:0014817, OMIM 616892.

Submission:

3billion
Classification: Uncertain significance for Nephrotic syndrome, type 12. Last evaluated: 2025-09-24. Review status: criteria provided, single submitter. Criteria: ACMG Guidelines, 2015. Collection method: clinical testing. Allele origin: germline. Affected: yes.
Comment: The variant is not observed in the gnomAD v4.1.0 dataset. Predicted Consequence/Location: Missense variant Damaging effect on gene or gene product predicted by in silico programs is uncertain [REVEL: 0.57 (damaging >=0.6, benign <0.4), 3Cnet: 0.06 (damaging >0.75, benign <0.1)]. Therefore, this variant is classified as VUS according to the recommendation of ACMG/AMP guideline.

NM_014669.5(NUP93):c.2128G>A (p.Ala710Thr)

Gene: NUP93 (nucleoporin 93; plus strand). Cytogenetic location: 16q13.
Variant type: single nucleotide variant.
Coding change: c.2128G>A on transcript NM_014669.5 (MANE Select); coding-DNA position 2128, G replaced by A.
Protein change: p.Ala710Thr; replaces alanine 710 with threonine.
Molecular consequence: missense variant.
Genome position (GRCh38, 1-based): chr16:56,839,061, G>A. VCF-style: chr16-56839061-G-A. GRCh37 (hg19) VCF-style: chr16-56872973-G-A.
Other names: c.1759G>A, p.Ala587Thr (NM_001242795.2, NM_001242796.2); short protein forms A587T, A710T.
Identifiers: ClinVar variation 4853997 (VCV004853997.1).